The following is an entry in ClinVar:

ClinVar aggregate classification (germline): Uncertain significance. Review status: criteria provided, multiple submitters, no conflicts (2 of 4 stars). 2 submissions from 2 submitters: Uncertain significance (2). Last evaluated 2025-02-09.

Conditions:
Pulmonary hypertension, primary, 1 (PPH1). Also called: Pulmonary hypertension, familial primary, 1, with or without HHT. Identifiers: Orphanet 422, MedGen C4552070, MONDO:0024533, OMIM 178600.
Pulmonary venoocclusive disease 1 (PVOD1). Also called: Pulmonary venoocclusive disease 1, autosomal dominant. Identifiers: Orphanet 31837, MedGen C3887658, MONDO:0020713, OMIM 265450.
Inborn genetic diseases. Identifiers: MedGen C0950123, MeSH D030342.

Submissions (2):

Ambry Genetics
Classification: Uncertain significance for Inborn genetic diseases. Last evaluated: 2025-02-09. Review status: criteria provided, single submitter. Criteria: Ambry Variant Classification Scheme 2023. Collection method: clinical testing. Allele origin: germline.
Comment: The p.V888A variant (also known as c.2663T>C), located in coding exon 12 of the BMPR2 gene, results from a T to C substitution at nucleotide position 2663. The valine at codon 888 is replaced by alanine, an amino acid with similar properties. This amino acid position is conserved. In addition, the in silico prediction for this alteration is inconclusive. Based on the available evidence, the clinical significance of this variant remains unclear.

Fulgent Genetics
Classification: Uncertain significance for Pulmonary hypertension, primary, 1; Pulmonary venoocclusive disease 1. Last evaluated: 2024-06-04. Review status: criteria provided, single submitter. Criteria: ACMG Guidelines, 2015. Collection method: clinical testing. Allele origin: germline.

NM_001204.7(BMPR2):c.2663T>C (p.Val888Ala)

Gene: BMPR2 (bone morphogenetic protein receptor type 2; plus strand). Cytogenetic location: 2q33.2.
Variant type: single nucleotide variant.
Coding change: c.2663T>C on transcript NM_001204.7 (MANE Select); coding-DNA position 2663, T replaced by C.
Protein change: p.Val888Ala; replaces valine 888 with alanine.
Molecular consequence: missense variant.
Genome position (GRCh38, 1-based): chr2:202,556,328, T>C. VCF-style: chr2-202556328-T-C. GRCh37 (hg19) VCF-style: chr2-203421051-T-C.
Other names: short protein forms V888A.
Identifiers: ClinVar variation 3585306 (VCV003585306.2).